The following is an entry in ClinVar:

ClinVar aggregate classification (germline): Pathogenic (1 of 4 stars; one submission).

Submission:

Labcorp Genetics (formerly Invitae), Labcorp
Classification: Pathogenic. Last evaluated: 2023-11-25. Review status: criteria provided, single submitter. Criteria: Invitae Variant Classification Sherloc (09022015). Collection method: clinical testing. Allele origin: unknown.
Comment: A gross deletion of the genomic region encompassing the full coding sequence of the GRHPR gene has been identified. Loss-of-function variants in GRHPR are known to be pathogenic (PMID: 25644115). The boundaries of this event are unknown as they extend beyond the assayed region for this gene and therefore may encompass additional genes. This variant has not been reported in the literature in individuals affected with GRHPR-related conditions. For these reasons, this variant has been classified as Pathogenic.

Literature cited by the submitters: PubMed 25644115.

NC_000009.11:g.(?_37422744)_(37436779_?)del

Gene: GRHPR (glyoxylate and hydroxypyruvate reductase; plus strand). Cytogenetic location: 9p13.2.
Variant type: Deletion.
Identifiers: ClinVar variation 3245344 (VCV003245344.1).